The following is an entry in ClinVar:

ClinVar aggregate classification (germline): Uncertain significance (1 of 4 stars; one submission).

Conditions:
Hajdu-Cheney syndrome (HJCYS). Also called: Acroosteolysis dominant type; ACROOSTEOLYSIS WITH OSTEOPOROSIS AND CHANGES IN SKULL AND MANDIBLE; SERPENTINE FIBULA-POLYCYSTIC KIDNEY SYNDROME. Identifiers: Orphanet 955, MedGen C0917715, MONDO:0007057, OMIM 102500.

Allele frequency attached by ClinVar (database versions not stated): gnomAD exomes below 0.00001.

Submission:

Labcorp Genetics (formerly Invitae), Labcorp
Classification: Uncertain significance for Hajdu-Cheney syndrome. Last evaluated: 2024-09-14. Review status: criteria provided, single submitter. Criteria: Invitae Variant Classification Sherloc (09022015). Collection method: clinical testing. Allele origin: germline.
Comment: This sequence change replaces isoleucine, which is neutral and non-polar, with valine, which is neutral and non-polar, at codon 1688 of the NOTCH2 protein (p.Ile1688Val). This variant is not present in population databases (gnomAD no frequency). This variant has not been reported in the literature in individuals affected with NOTCH2-related conditions. Invitae Evidence Modeling of protein sequence and biophysical properties (such as structural, functional, and spatial information, amino acid conservation, physicochemical variation, residue mobility, and thermodynamic stability) indicates that this missense variant is not expected to disrupt NOTCH2 protein function with a negative predictive value of 80%. In summary, the available evidence is currently insufficient to determine the role of this variant in disease. Therefore, it has been classified as a Variant of Uncertain Significance.

NM_024408.4(NOTCH2):c.5062A>G (p.Ile1688Val)

Gene: NOTCH2 (notch receptor 2; minus strand). Cytogenetic location: 1p12.
Variant type: single nucleotide variant.
Coding change: c.5062A>G on transcript NM_024408.4 (MANE Select); coding-DNA position 5062, A replaced by G.
Protein change: p.Ile1688Val; replaces isoleucine 1688 with valine.
Molecular consequence: missense variant.
Genome position (GRCh38, 1-based): chr1:119,922,387, T>C on the plus strand (A>G on the coding strand, the complement: NOTCH2 is on the minus strand). VCF-style: chr1-119922387-T-C. GRCh37 (hg19) VCF-style: chr1-120465010-T-C.
Other names: short protein forms I1688V.
Identifiers: ClinVar variation 2878039 (VCV002878039.3), dbSNP rs2101154718, ClinGen allele CA341887090.